The following is an entry in ClinVar:

NM_005343.4(HRAS):c.530G>C (p.Ser177Thr)

Genes: HRAS (HRas proto-oncogene, GTPase; minus strand), LRRC56 (leucine rich repeat containing 56; plus strand). Cytogenetic location: 11p15.5.
Variant type: single nucleotide variant.
Coding change: c.530G>C on transcript NM_005343.4 (MANE Select); coding-DNA position 530, G replaced by C.
Protein change: p.Ser177Thr; replaces serine 177 with threonine.
Molecular consequence: missense variant. On other transcripts: 3 prime UTR variant (1).
Genome position (GRCh38, 1-based): chr11:532,676, C>G on the plus strand (G>C on the coding strand, the complement: HRAS is on the minus strand). VCF-style: chr11-532676-C-G. GRCh37 (hg19) VCF-style: chr11-532676-C-G.
Other names: c.530G>C, p.Ser177Thr (NM_001130442.3); c.293G>C, p.Ser98Thr (NM_001318054.2); c.*99G>C (NM_176795.5); short protein forms S177T, S98T.
Identifiers: ClinVar variation 1720993 (VCV001720993.6), dbSNP rs1191074796, ClinGen allele CA378921012.
Genomic context (GRCh38, chr11:532,676, plus strand): 5'-GGGAGTCCCCCTCACCTGCGTCAGGAGAGCACACACTTGCAGCTCATGCAGCCGGGGCCA[C>G]TCTCATCAGGAGGGTTCAGCTTCCGCAGCTTGTGCTGCCGGATCTCACGCACCAACGTGT-3'
Protein context (NP_005334.1, residues 167-187): KLRKLNPPDE[Ser177Thr]GPGCMSCKCV

ClinVar aggregate classification (germline): Uncertain significance (1 of 4 stars; one submission).

Conditions:
Costello syndrome (CSTLO). Also called: FCS SYNDROME; HRAS-Related Costello Syndrome; FACIOCUTANEOSKELETAL SYNDROME. Identifiers: Orphanet 3071, MedGen C0587248, MONDO:0009026, OMIM 218040.

Submission:

Labcorp Genetics (formerly Invitae), Labcorp
Classification: Uncertain significance for Costello syndrome. Last evaluated: 2022-07-14. Review status: criteria provided, single submitter. Criteria: Invitae Variant Classification Sherloc (09022015). Collection method: clinical testing. Allele origin: germline.
Comment: This sequence change replaces serine, which is neutral and polar, with threonine, which is neutral and polar, at codon 177 of the HRAS protein (p.Ser177Thr). This variant is present in population databases (no rsID available, gnomAD 0.005%). In summary, the available evidence is currently insufficient to determine the role of this variant in disease. Therefore, it has been classified as a Variant of Uncertain Significance. Advanced modeling of protein sequence and biophysical properties (such as structural, functional, and spatial information, amino acid conservation, physicochemical variation, residue mobility, and thermodynamic stability) performed at Invitae indicates that this missense variant is not expected to disrupt HRAS protein function. This variant has not been reported in the literature in individuals affected with HRAS-related conditions.